The following is an entry in ClinVar:

ClinVar aggregate classification (germline): Uncertain significance (1 of 4 stars; one submission).

Conditions:
Arrhythmogenic right ventricular cardiomyopathy (ARVD). Also called: Arrhythmogenic right ventricular dysplasia; Cardiomyopathy, ARVC; Arrhythmogenic cardiomyopathy; Arrhythmogenic Right Ventricular Cardiomyopathy (ARVC). Identifiers: Orphanet 247, MedGen C0349788, MeSH D019571, MONDO:0016587. Disease mechanism: loss of function. Inheritance: Various modes of inheritance.

Submission:

All of Us Research Program, National Institutes of Health
Classification: Uncertain significance for Arrhythmogenic right ventricular cardiomyopathy. Last evaluated: 2024-07-29. Review status: criteria provided, single submitter. Criteria: ACMG Guidelines, 2015. Collection method: clinical testing. Allele origin: germline. Inheritance: Autosomal dominant inheritance. Observed: 1 variant allele, 1 heterozygote.
Comment: This missense variant replaces phenylalanine with serine at codon 159 of the DSG2 protein. Computational prediction suggests that this variant may have deleterious impact on protein structure and function (internally defined REVEL score threshold >= 0.7, PMID: 27666373). To our knowledge, functional studies have not been reported for this variant. This variant has not been reported in individuals affected with DSG2-related disorders in the literature. This variant has not been identified in the general population by the Genome Aggregation Database (gnomAD). The available evidence is insufficient to determine the role of this variant in disease conclusively. Therefore, this variant is classified as a Variant of Uncertain Significance.

This study involves interpretation of variants in research participants for the purpose of population health screening. Participant phenotype was not available at the time of variant classification. Additional details can be found in publication PMID: 35346344, PMCID: PMC8962531

NM_001943.5(DSG2):c.476T>C (p.Phe159Ser)

Gene: DSG2 (desmoglein 2; plus strand). Cytogenetic location: 18q12.1.
Variant type: single nucleotide variant.
Coding change: c.476T>C on transcript NM_001943.5 (MANE Select); coding-DNA position 476, T replaced by C.
Protein change: p.Phe159Ser; replaces phenylalanine 159 with serine.
Molecular consequence: missense variant.
Genome position (GRCh38, 1-based): chr18:31,521,196, T>C. VCF-style: chr18-31521196-T-C. GRCh37 (hg19) VCF-style: chr18-29101159-T-C.
Other names: short protein forms F159S.
Identifiers: ClinVar variation 3386574 (VCV003386574.1).